The following is an entry in ClinVar:

NM_000081.4(LYST):c.8271T>C (p.Ala2757=)

Gene: LYST (lysosomal trafficking regulator; minus strand). Cytogenetic location: 1q42.3.
Variant type: single nucleotide variant.
Coding change: c.8271T>C on transcript NM_000081.4 (MANE Select); coding-DNA position 8271, T replaced by C.
Protein change: p.Ala2757=; no amino-acid change (alanine 2757 retained).
Molecular consequence: synonymous variant.
Genome position (GRCh38, 1-based): chr1:235,741,509, A>G on the plus strand (T>C on the coding strand, the complement: LYST is on the minus strand). VCF-style: chr1-235741509-A-G. GRCh37 (hg19) VCF-style: chr1-235904809-A-G.
Other names: p.Ala2757=; c.8271T>C, p.Ala2757= (NM_001301365.1).
Identifiers: ClinVar variation 4684278 (VCV004684278.1).
Genomic context (GRCh38, chr1:235,741,509, plus strand): 5'-TAGTATTTCCTGATGATTTGGTTCATGAACTATTTCAAAAATTTGCTTTCTCTCTTGTGC[A>G]GCGTGGGCTGGCGACAAAATATGCACTAGTAGTCTCCCAAGCTGCATTCGGAAGGTCTCC-3'
Protein context (NP_000072.2, residues 2747-2767): LLVHILSPAH[Ala2757=]AQERKQIFEI

ClinVar aggregate classification (germline): Likely benign (1 of 4 stars; one submission).

Submission:

Mayo Clinic Laboratories, Mayo Clinic
Classification: Likely benign. Last evaluated: 2025-01-10. Review status: criteria provided, single submitter. Criteria: ACMG Guidelines, 2015. Collection method: clinical testing. Allele origin: germline. Observed: 1 variant allele.
Comment: BP4, BP7, PM2_supporting